The following is an entry in ClinVar:

NM_000090.4(COL3A1):c.4108T>C (p.Tyr1370His)

Gene: COL3A1 (collagen type III alpha 1 chain; plus strand). Cytogenetic location: 2q32.2.
Variant type: single nucleotide variant.
Coding change: c.4108T>C on transcript NM_000090.4 (MANE Select); coding-DNA position 4108, T replaced by C.
Protein change: p.Tyr1370His; replaces tyrosine 1370 with histidine.
Molecular consequence: missense variant.
Genome position (GRCh38, 1-based): chr2:189,010,744, T>C. VCF-style: chr2-189010744-T-C. GRCh37 (hg19) VCF-style: chr2-189875470-T-C.
Other names: short protein forms Y1370H.
Identifiers: ClinVar variation 1057545 (VCV001057545.11), dbSNP rs2153504327, ClinGen allele CA349849400.

ClinVar aggregate classification (germline): Uncertain significance (1 of 4 stars; one submission).

Conditions:
Ehlers-Danlos syndrome, type 4 (EDSVASC). Also called: Ehlers-Danlos syndrome vascular type; Ehlers Danlos syndrome, ecchymotic type; Ehlers Danlos syndrome, arterial type; Ehlers Danlos syndrome, Sack-Barabas type; Ehlers-Danlos Syndrome Type IV. Identifiers: Orphanet 286, MedGen C0268338, MONDO:0017314, OMIM 130050.

gnomAD v4.1: 1 of 1,614,156 alleles (0.000062%); highest among the groups gnomAD compares: Non-Finnish European, 0.000085%; no homozygotes.

Submission:

Labcorp Genetics (formerly Invitae), Labcorp
Classification: Uncertain significance for Ehlers-Danlos syndrome, type 4. Last evaluated: 2020-02-15. Review status: criteria provided, single submitter. Criteria: Invitae Variant Classification Sherloc (09022015). Collection method: clinical testing. Allele origin: germline.
Comment: This sequence change replaces tyrosine with histidine at codon 1370 of the COL3A1 protein (p.Tyr1370His). The tyrosine residue is highly conserved and there is a moderate physicochemical difference between tyrosine and histidine. This variant is not present in population databases (ExAC no frequency). This variant has not been reported in the literature in individuals with COL3A1-related conditions. Experimental studies and prediction algorithms are not available or were not evaluated, and the functional significance of this variant is currently unknown. In summary, the available evidence is currently insufficient to determine the role of this variant in disease. Therefore, it has been classified as a Variant of Uncertain Significance.